The following is an entry in ClinVar:

NM_002880.4(RAF1):c.1037C>A (p.Ala346Asp)

Gene: RAF1 (Raf-1 proto-oncogene, serine/threonine kinase; minus strand). Cytogenetic location: 3p25.2.
Variant type: single nucleotide variant.
Coding change: c.1037C>A on transcript NM_002880.4 (MANE Select); coding-DNA position 1037, C replaced by A.
Protein change: p.Ala346Asp; replaces alanine 346 with aspartic acid.
Molecular consequence: missense variant. On other transcripts: non-coding transcript variant (3).
Genome position (GRCh38, 1-based): chr3:12,599,762, G>T on the plus strand (C>A on the coding strand, the complement: RAF1 is on the minus strand). VCF-style: chr3-12599762-G-T. GRCh37 (hg19) VCF-style: chr3-12641261-G-T.
Other names: c.1097C>A, p.Ala366Asp (NM_001354689.3); c.1037C>A, p.Ala346Asp (NM_001354690.3); c.794C>A, p.Ala265Asp (NM_001354691.3, NM_001354692.3); c.938C>A, p.Ala313Asp (NM_001354693.3); c.854C>A, p.Ala285Asp (NM_001354694.3); c.695C>A, p.Ala232Asp (NM_001354695.3); short protein forms A366D, A313D, A346D, A285D, A232D, A265D.
Identifiers: ClinVar variation 1414349 (VCV001414349.6), dbSNP rs2125378113, ClinGen allele CA351507759.

ClinVar aggregate classification (germline): Uncertain significance (1 of 4 stars; one submission).

Conditions:
RASopathy. Also called: rasopathies; Noonan spectrum disorder. Identifiers: Orphanet 536391, MedGen C5555857, MONDO:0021060.

Submission:

Labcorp Genetics (formerly Invitae), Labcorp
Classification: Uncertain significance for RASopathy. Last evaluated: 2024-07-01. Review status: criteria provided, single submitter. Criteria: Invitae Variant Classification Sherloc (09022015). Collection method: clinical testing. Allele origin: germline.
Comment: This sequence change replaces alanine, which is neutral and non-polar, with aspartic acid, which is acidic and polar, at codon 346 of the RAF1 protein (p.Ala346Asp). This variant is not present in population databases (gnomAD no frequency). This variant has not been reported in the literature in individuals affected with RAF1-related conditions. ClinVar contains an entry for this variant (Variation ID: 1414349). Advanced modeling of protein sequence and biophysical properties (such as structural, functional, and spatial information, amino acid conservation, physicochemical variation, residue mobility, and thermodynamic stability) performed at Invitae indicates that this missense variant is expected to disrupt RAF1 protein function with a positive predictive value of 95%. In summary, the available evidence is currently insufficient to determine the role of this variant in disease. Therefore, it has been classified as a Variant of Uncertain Significance.